The following is an entry in ClinVar:

NM_182914.3(SYNE2):c.5637+12A>G

Gene: SYNE2 (spectrin repeat containing nuclear envelope protein 2; plus strand). Cytogenetic location: 14q23.2.
Variant type: single nucleotide variant.
Coding change: c.5637+12A>G on transcript NM_182914.3 (MANE Select); 12 bases into the intron after coding-DNA position 5637, A replaced by G.
Molecular consequence: intron variant.
Genome position (GRCh38, 1-based): chr14:64,022,875, A>G. VCF-style: chr14-64022875-A-G. GRCh37 (hg19) VCF-style: chr14-64489593-A-G.
Other names: c.5637+12A>G (NM_015180.6).
Identifiers: ClinVar variation 313516 (VCV000313516.14), dbSNP rs150233714, ClinGen allele CA7220512.

ClinVar aggregate classification (germline): Benign. Review status: criteria provided, multiple submitters, no conflicts (2 of 4 stars). 2 submissions from 2 submitters: Benign (2). Last evaluated 2025-07-30.

Conditions:
Emery-Dreifuss muscular dystrophy 5, autosomal dominant (EDMD5). Also called: EMERY-DREIFUSS MUSCULAR DYSTROPHY 5. Identifiers: Orphanet 261, MedGen C2751805, MONDO:0013072, OMIM 612999.

Allele frequency attached by ClinVar (database versions not stated): gnomAD exomes 0.00014 and 0.00017; ExAC 0.00030; ESP Exome Variant Server 0.00051; gnomAD 0.00064 and 0.00068; TOPMed 0.00074; 1000 Genomes Project 0.00100; 1000 Genomes Project 30x 0.00141.
gnomAD v4.1: 286 of 1,407,694 alleles (0.02%); highest among the groups gnomAD compares: African/African-American, 0.19%; 1 homozygote.

Submissions (2):

Labcorp Genetics (formerly Invitae), Labcorp
Classification: Benign for Emery-Dreifuss muscular dystrophy 5, autosomal dominant. Last evaluated: 2025-07-30. Review status: criteria provided, single submitter. Criteria: Invitae Variant Classification Sherloc (09022015). Collection method: clinical testing. Allele origin: germline.

Illumina Laboratory Services, Illumina
Classification: Benign for Emery-Dreifuss muscular dystrophy 5, autosomal dominant. Last evaluated: 2018-01-13. Review status: criteria provided, single submitter. Criteria: ICSL Variant Classification Criteria 13 December 2019. Collection method: clinical testing. Allele origin: germline.
Comment: This variant was observed in the ICSL laboratory as part of a predisposition screen in an ostensibly healthy population. It had not been previously curated by ICSL or reported in the Human Gene Mutation Database (HGMD: prior to June 1st, 2018), and was therefore a candidate for classification through an automated scoring system. Utilizing variant allele frequency, disease prevalence and penetrance estimates, and inheritance mode, an automated score was calculated to assess if this variant is too frequent to cause the disease. Based on the score and internal cut-off values, a variant classified as benign is not then subjected to further curation. The score for this variant resulted in a classification of benign for this disease.